The following is an entry in ClinVar:

ClinVar aggregate classification (germline): Pathogenic (1 of 4 stars; one submission).

Conditions:
Hereditary sensory and autonomic neuropathy type 6. Also called: HSAN VI; Neuropathy, hereditary sensory and autonomic, type VI. Identifiers: Orphanet 314381, MedGen C3539003, MONDO:0013839, OMIM 614653.
Epidermolysis bullosa simplex 3, localized or generalized intermediate, with BP230 deficiency (EBS3). Also called: Epidermolysis bullosa simplex, autosomal recessive 2; Epidermolysis bullosa simplex due to BP230 deficiency. Identifiers: Orphanet 412181, MedGen C3809470, MONDO:0014180, OMIM 615425.

Submission:

Labcorp Genetics (formerly Invitae), Labcorp
Classification: Pathogenic for Epidermolysis bullosa simplex 3, localized or generalized intermediate, with BP230 deficiency; Hereditary sensory and autonomic neuropathy type 6. Last evaluated: 2024-02-22. Review status: criteria provided, single submitter. Criteria: Invitae Variant Classification Sherloc (09022015). Collection method: clinical testing. Allele origin: germline.
Comment: This sequence change creates a premature translational stop signal (p.Glu1384Aspfs*2) in the DST gene. It is expected to result in an absent or disrupted protein product. Loss-of-function variants in DST are known to be pathogenic (PMID: 22522446, 25059916, 30371979). This variant is not present in population databases (gnomAD no frequency). This variant has not been reported in the literature in individuals affected with DST-related conditions. ClinVar contains an entry for this variant (Variation ID: 1932718). For these reasons, this variant has been classified as Pathogenic.

Literature cited by the submitters: PubMed 22522446; PubMed 25059916; PubMed 30371979.

NM_001723.7(DST):c.4152del (p.Glu1384fs)

Gene: DST (dystonin; minus strand). Cytogenetic location: 6p12.1.
Variant type: Deletion.
Coding change: c.4152del on transcript NM_001723.7 (MANE Plus Clinical); coding-DNA position 4152, one base deleted (G; older notation c.4152delG).
Protein change: p.Glu1384fs; shifts the reading frame from glutamic acid 1384.
Molecular consequence: frameshift variant. On other transcripts: intron variant (10).
Genome position (GRCh38, 1-based): chr6:56,619,882, C deleted on the plus strand (G on the coding strand, the reverse complement: DST is on the minus strand). VCF-style (leftmost placement, unchanged base first): chr6-56619881-GC-G. GRCh37 (hg19) VCF-style: chr6-56484679-GC-G.
Other names: c.4830+4648del (NM_001144769.5); c.4929+4648del (NM_001374722.1, NM_001374736.1); c.4956+4648del (NM_001374734.1); c.4416+4648del (NM_001144770.2); c.4296+4648del (NM_001374730.1, NM_001386100.1, NM_183380.4 and 1 more transcripts); c.3318+4648del (NM_015548.5); short protein forms E1384fs.
Identifiers: ClinVar variation 1932718 (VCV001932718.5), dbSNP rs1247419225, ClinGen allele CA826168740.